The following is an entry in ClinVar:

NM_001042492.3(NF1):c.2093C>T (p.Pro698Leu)

Gene: NF1 (neurofibromin 1; plus strand). Cytogenetic location: 17q11.2.
Variant type: single nucleotide variant.
Coding change: c.2093C>T on transcript NM_001042492.3 (MANE Select); coding-DNA position 2093, C replaced by T.
Protein change: p.Pro698Leu; replaces proline 698 with leucine.
Molecular consequence: missense variant.
Genome position (GRCh38, 1-based): chr17:31,226,526, C>T. VCF-style: chr17-31226526-C-T. GRCh37 (hg19) VCF-style: chr17-29553544-C-T.
Other names: c.2093C>T, p.Pro698Leu (NM_000267.4); short protein forms P698L.
Identifiers: ClinVar variation 3572029 (VCV003572029.2).

ClinVar aggregate classification (germline): Uncertain significance. Review status: criteria provided, multiple submitters, no conflicts (2 of 4 stars). 2 submissions from 2 submitters: Uncertain significance (2). Last evaluated 2025-01-08.

Conditions:
Hereditary cancer-predisposing syndrome. Also called: Hereditary Cancer Syndrome; Hereditary neoplastic syndrome; Tumor predisposition; Neoplastic Syndromes, Hereditary. Identifiers: Orphanet 140162, MedGen C0027672, MeSH D009386, MONDO:0015356.
Cardiovascular phenotype. Identifiers: MedGen CN230736.

gnomAD v4.1: 1 of 1,613,888 alleles (0.000062%); highest among the groups gnomAD compares: Non-Finnish European, 0.000085%; no homozygotes.

Submissions (2):

Ambry Genetics
Classification: Uncertain significance for Cardiovascular phenotype; Hereditary cancer-predisposing syndrome. Last evaluated: 2025-01-08. Review status: criteria provided, single submitter. Criteria: Ambry Variant Classification Scheme 2023. Collection method: clinical testing. Allele origin: germline.
Comment: The p.P698L variant (also known as c.2093C>T), located in coding exon 18 of the NF1 gene, results from a C to T substitution at nucleotide position 2093. The proline at codon 698 is replaced by leucine, an amino acid with similar properties. This amino acid position is conserved. In addition, this alteration is predicted to be deleterious by in silico analysis. Based on the available evidence, the clinical significance of this variant remains unclear.

Quest Diagnostics Nichols Institute San Juan Capistrano
Classification: Uncertain significance. Last evaluated: 2024-05-10. Review status: criteria provided, single submitter. Criteria: Quest Diagnostics criteria. Collection method: clinical testing. Allele origin: unknown.